The following is an entry in ClinVar:

ClinVar aggregate classification (germline): Uncertain significance (1 of 4 stars; one submission).

Conditions:
Hereditary cancer-predisposing syndrome. Also called: Neoplastic Syndromes, Hereditary; Tumor predisposition; Hereditary Cancer Syndrome; Hereditary neoplastic syndrome. Identifiers: Orphanet 140162, MedGen C0027672, MeSH D009386, MONDO:0015356.

Submission:

Ambry Genetics
Classification: Uncertain significance for Hereditary cancer-predisposing syndrome. Last evaluated: 2022-08-30. Review status: criteria provided, single submitter. Criteria: Ambry Variant Classification Scheme 2023. Collection method: clinical testing. Allele origin: germline.
Comment: The p.R125S variant (also known as c.375A>C), located in coding exon 3 of the EPCAM gene, results from an A to C substitution at nucleotide position 375. The arginine at codon 125 is replaced by serine, an amino acid with dissimilar properties. This amino acid position is conserved. In addition, the in silico prediction for this alteration is inconclusive. Since supporting evidence is limited at this time, the clinical significance of this alteration remains unclear.

NM_002354.3(EPCAM):c.375A>C (p.Arg125Ser)

Gene: EPCAM (epithelial cell adhesion molecule; plus strand). Cytogenetic location: 2p21.
Variant type: single nucleotide variant.
Coding change: c.375A>C on transcript NM_002354.3 (MANE Select); coding-DNA position 375, A replaced by C.
Protein change: p.Arg125Ser; replaces arginine 125 with serine.
Molecular consequence: missense variant.
Genome position (GRCh38, 1-based): chr2:47,373,998, A>C. VCF-style: chr2-47373998-A-C. GRCh37 (hg19) VCF-style: chr2-47601137-A-C.
Other names: short protein forms R125S.
Identifiers: ClinVar variation 1734627 (VCV001734627.2), dbSNP rs2103747838, ClinGen allele CA346723384.
Genomic context (GRCh38, chr2:47,373,998, plus strand): 5'-TAAGGCCAAGCAGTGCAACGGCACCTCCATGTGCTGGTGTGTGAACACTGCTGGGGTCAG[A>C]AGAACAGACAAGGACACTGAAATAACCTGCTCTGAGCGAGTGAGAACCTAGTGAGTGGGG-3'
Protein context (NP_002345.2, residues 115-135): MCWCVNTAGV[Arg125Ser]RTDKDTEITC